The following is an entry in ClinVar:

ClinVar aggregate classification (germline): Uncertain significance. Review status: criteria provided, multiple submitters, no conflicts (2 of 4 stars). 2 submissions from 2 submitters: Uncertain significance (2). Last evaluated 2024-06-08.

Conditions:
Autosomal recessive hypophosphatemic bone disease (HHRH). Also called: Hypophosphatemic rickets with hypercalciuria; HYPERCALCIURIC RICKETS. Identifiers: Orphanet 157215, MedGen C1853271, MONDO:0009431, OMIM 241530.

Allele frequency attached by ClinVar (database versions not stated): gnomAD 0.00003; TOPMed 0.00003; ExAC 0.00007; 1000 Genomes Project 30x 0.00062.
gnomAD v4.1: 16 of 1,610,568 alleles (0.00099%); highest among the groups gnomAD compares: East Asian, 0.02%; no homozygotes.

Submissions (2):

Fulgent Genetics
Classification: Uncertain significance for Autosomal recessive hypophosphatemic bone disease. Last evaluated: 2024-06-08. Review status: criteria provided, single submitter. Criteria: ACMG Guidelines, 2015. Collection method: clinical testing. Allele origin: germline.

Labcorp Genetics (formerly Invitae), Labcorp
Classification: Uncertain significance. Last evaluated: 2022-05-15. Review status: criteria provided, single submitter. Criteria: Invitae Variant Classification Sherloc (09022015). Collection method: clinical testing. Allele origin: germline.
Comment: In summary, the available evidence is currently insufficient to determine the role of this variant in disease. Therefore, it has been classified as a Variant of Uncertain Significance. Variants that disrupt the consensus splice site are a relatively common cause of aberrant splicing (PMID: 17576681, 9536098). Algorithms developed to predict the effect of sequence changes on RNA splicing suggest that this variant may disrupt the consensus splice site. Algorithms developed to predict the effect of missense changes on protein structure and function are either unavailable or do not agree on the potential impact of this missense change (SIFT: "Tolerated"; PolyPhen-2: "Probably Damaging"; Align-GVGD: "Class C0"). This variant has not been reported in the literature in individuals affected with SLC34A3-related conditions. This variant is present in population databases (rs182126379, gnomAD 0.04%). This sequence change replaces aspartic acid, which is acidic and polar, with asparagine, which is neutral and polar, at codon 365 of the SLC34A3 protein (p.Asp365Asn). This variant also falls at the last nucleotide of exon 10, which is part of the consensus splice site for this exon.

Literature cited by the submitters: PubMed 17576681 (cited by Labcorp Genetics (formerly Invitae), Labcorp); PubMed 9536098 (cited by Labcorp Genetics (formerly Invitae), Labcorp).

NM_001177316.2(SLC34A3):c.1093G>A (p.Asp365Asn)

Gene: SLC34A3 (solute carrier family 34 member 3; plus strand). Cytogenetic location: 9q34.3.
Variant type: single nucleotide variant.
Coding change: c.1093G>A on transcript NM_001177316.2 (MANE Select); coding-DNA position 1093, G replaced by A.
Protein change: p.Asp365Asn; replaces aspartic acid 365 with asparagine.
Molecular consequence: missense variant.
Genome position (GRCh38, 1-based): chr9:137,234,276, G>A. VCF-style: chr9-137234276-G-A. GRCh37 (hg19) VCF-style: chr9-140128728-G-A.
Other names: c.1093G>A, p.Asp365Asn (NM_001177317.2, NM_080877.3); c.1093G>A (NM_080877.2); short protein forms D365N.
Identifiers: ClinVar variation 1916354 (VCV001916354.6), dbSNP rs182126379, ClinGen allele CA5364766.